The following is an entry in ClinVar:

NM_003560.4(PLA2G6):c.1002A>G (p.Ile334Met)

Gene: PLA2G6 (phospholipase A2 group VI; minus strand). Cytogenetic location: 22q13.1.
Variant type: single nucleotide variant.
Coding change: c.1002A>G on transcript NM_003560.4 (MANE Select); coding-DNA position 1002, A replaced by G.
Protein change: p.Ile334Met; replaces isoleucine 334 with methionine.
Molecular consequence: missense variant.
Genome position (GRCh38, 1-based): chr22:38,132,906, T>C on the plus strand (A>G on the coding strand, the complement: PLA2G6 is on the minus strand). VCF-style: chr22-38132906-T-C. GRCh37 (hg19) VCF-style: chr22-38528913-T-C.
Other names: c.1002A>G, p.Ile334Met (NM_001004426.3, NM_001199562.3, NM_001349864.2 and 2 more transcripts); c.468A>G, p.Ile156Met (NM_001349867.2, NM_001349869.2); c.324A>G, p.Ile108Met (NM_001349868.2); short protein forms I108M, I156M, I334M.
Identifiers: ClinVar variation 4883798 (VCV004883798.3).
Genomic context (GRCh38, chr22:38,132,906, plus strand): 5'-CAGCGGGGTGTTGCCGTGCTCTCCGCGGGCATCCGCGTTGGCCCCGTGGGTCAGCAGCAC[T>C]ATGGCACAGTCGAAGCGGTTGCGCATCACCGCCACGTGCAGGGCCGTGTTCCCCGCGGAG-3'
Protein context (NP_003551.2, residues 324-344): AVMRNRFDCA[Ile334Met]VLLTHGANAD

ClinVar aggregate classification (germline): Conflicting classifications of pathogenicity. Review status: criteria provided, conflicting classifications (1 of 4 stars). 2 submissions from 2 submitters: Uncertain significance (1); Likely benign (1). Last evaluated 2026-01-12.

gnomAD v4.1: 15 of 1,556,484 alleles (0.00096%); highest among the groups gnomAD compares: South Asian, 0.012%; no homozygotes.

Submissions (2):

Dasa
Classification: Uncertain significance. Last evaluated: 2026-01-12. Review status: criteria provided, single submitter. Criteria: DASA Assertion Criteria. Collection method: clinical testing. Allele origin: germline.
Comment: NM_003560.4(PLA2G6):c.1002A>G (p.Ile334Met) is a missense variant that results in the substitution of isoleucine with methionine. This variant is rare in population databases. Computational prediction algorithms are consistent with a benign effect. The currently available literature and clinical evidence are not sufficient to establish a definitive association between this variant and the reported condition. Therefore, this variant is classified as a variant of uncertain significance.

Blueprint Genetics
Classification: Likely benign. Last evaluated: 2024-05-13. Review status: criteria provided, single submitter. Criteria: ACMG Guidelines, 2015. Collection method: clinical testing. Allele origin: germline.